The following is an entry in ClinVar:

ClinVar aggregate classification (germline): Conflicting classifications of pathogenicity. Review status: criteria provided, conflicting classifications (1 of 4 stars). 2 submissions from 2 submitters: Uncertain significance (1); Likely benign (1). Last evaluated 2025-12-09.

Conditions:
Inborn genetic diseases. Identifiers: MedGen C0950123, MeSH D030342.
Luscan-Lumish syndrome. Identifiers: Orphanet 597738, MedGen C4085873, MONDO:0014791, OMIM 616831.

Allele frequency attached by ClinVar (database versions not stated): gnomAD exomes 0.00001 and 0.00004; ExAC 0.00009; gnomAD 0.00011 and 0.00013; TOPMed 0.00011.

Submissions (2):

Labcorp Genetics (formerly Invitae), Labcorp
Classification: Uncertain significance for Luscan-Lumish syndrome. Last evaluated: 2025-12-09. Review status: criteria provided, single submitter. Criteria: Invitae Variant Classification Sherloc (09022015). Collection method: clinical testing. Allele origin: germline.
Comment: This sequence change replaces asparagine, which is neutral and polar, with serine, which is neutral and polar, at codon 94 of the SETD2 protein (p.Asn94Ser). This variant is present in population databases (rs749621716, gnomAD 0.05%). This variant has not been reported in the literature in individuals affected with SETD2-related conditions. ClinVar contains an entry for this variant (Variation ID: 1016529). Invitae Evidence Modeling of protein sequence and biophysical properties (such as structural, functional, and spatial information, amino acid conservation, physicochemical variation, residue mobility, and thermodynamic stability) indicates that this missense variant is not expected to disrupt SETD2 protein function with a negative predictive value of 80%. In summary, the available evidence is currently insufficient to determine the role of this variant in disease. Therefore, it has been classified as a Variant of Uncertain Significance.

Ambry Genetics
Classification: Likely benign for Inborn genetic diseases. Last evaluated: 2025-10-14. Review status: criteria provided, single submitter. Criteria: Ambry Variant Classification Scheme 2023. Collection method: clinical testing. Allele origin: germline.

NM_014159.7(SETD2):c.281A>G (p.Asn94Ser)

Gene: SETD2 (SET domain containing 2, histone lysine methyltransferase; minus strand). Cytogenetic location: 3p21.31.
Variant type: single nucleotide variant.
Coding change: c.281A>G on transcript NM_014159.7 (MANE Select); coding-DNA position 281, A replaced by G.
Protein change: p.Asn94Ser; replaces asparagine 94 with serine.
Molecular consequence: missense variant. On other transcripts: non-coding transcript variant (1).
Genome position (GRCh38, 1-based): chr3:47,124,355, T>C on the plus strand (A>G on the coding strand, the complement: SETD2 is on the minus strand). VCF-style: chr3-47124355-T-C. GRCh37 (hg19) VCF-style: chr3-47165845-T-C.
Other names: c.281A>G (NM_014159.6); c.149A>G, p.Asn50Ser (NM_001349370.3); short protein forms N50S, N94S.
Identifiers: ClinVar variation 1016529 (VCV001016529.6), dbSNP rs749621716, ClinGen allele CA2363753.
Genomic context (GRCh38, chr3:47,124,355, plus strand): 5'-GGAGTCGAGTCTACCTGAAGAGGTACAGCTGGAGGGTTTGGAGTATCACTTTGCTTTTCA[T>C]TGCCAAGTGCAGTGAGAAACCTATTCTGCAAAGTTTTCTTTGTAAGGCTGAAGCTGAATG-3'
Protein context (NP_054878.5, residues 84-104): LQNRFLTALG[Asn94Ser]EKQSDTPNPP